The following is an entry in ClinVar:

NM_014423.4(AFF4):c.682T>G (p.Phe228Val)

Gene: AFF4 (ALF transcription elongation factor 4; minus strand). Cytogenetic location: 5q31.1.
Variant type: single nucleotide variant.
Coding change: c.682T>G on transcript NM_014423.4 (MANE Select); coding-DNA position 682, T replaced by G.
Protein change: p.Phe228Val; replaces phenylalanine 228 with valine.
Molecular consequence: missense variant.
Genome position (GRCh38, 1-based): chr5:132,934,383, A>C on the plus strand (T>G on the coding strand, the complement: AFF4 is on the minus strand). VCF-style: chr5-132934383-A-C. GRCh37 (hg19) VCF-style: chr5-132270075-A-C.
Other names: short protein forms F228V.
Identifiers: ClinVar variation 3348131 (VCV003348131.1).

ClinVar aggregate classification (germline): Uncertain significance (0 of 4 stars; one submission).

Conditions:
AFF4-related disorder. Also called: AFF4-related condition.

Submission:

PreventionGenetics, part of Exact Sciences
Classification: Uncertain significance for AFF4-related condition. Last evaluated: 2024-03-22. Review status: no assertion criteria provided. Collection method: clinical testing. Allele origin: germline.
Comment: The AFF4 c.682T>G variant is predicted to result in the amino acid substitution p.Phe228Val. To our knowledge, this variant has not been reported in the literature or in a large population database, indicating this variant is rare. At this time, the clinical significance of this variant is uncertain due to the absence of conclusive functional and genetic evidence.